The following is an entry in ClinVar:

NM_003235.5(TG):c.5344dup (p.Tyr1782fs)

Gene: TG (thyroglobulin; plus strand). Cytogenetic location: 8q24.22.
Variant type: Duplication.
Coding change: c.5344dup on transcript NM_003235.5 (MANE Select); coding-DNA position 5344, one base duplicated (T; older notation c.5344dupT).
Protein change: p.Tyr1782fs; shifts the reading frame from tyrosine 1782.
Molecular consequence: frameshift variant.
Genome position (GRCh38, 1-based): chr8:132,948,886, T duplicated. VCF-style (leftmost placement, unchanged base first): chr8-132948885-A-AT. GRCh37 (hg19) VCF-style: chr8-133961130-A-AT.
Other names: c.5344dupT (NM_003235.5); short protein forms Y1782fs.
Identifiers: ClinVar variation 3339484 (VCV003339484.1).

ClinVar aggregate classification (germline): Likely pathogenic (1 of 4 stars; one submission).

Conditions:
TG-related disorder. Also called: TG-related condition; TG-related disorders.

Submission:

Women's Health and Genetics/Laboratory Corporation of America, LabCorp
Classification: Likely pathogenic for TG-Related Disorders. Last evaluated: 2024-07-16. Review status: criteria provided, single submitter. Criteria: LabCorp Variant Classification Summary - May 2015. Collection method: clinical testing. Allele origin: germline.
Comment: Variant summary: TG c.5344dupT (p.Tyr1782LeufsX2) results in a premature termination codon, predicted to cause a truncation of the encoded protein or absence of the protein due to nonsense mediated decay, which are commonly known mechanisms for disease. The variant was absent in 251428 control chromosomes. To our knowledge, no occurrence of c.5344dupT in individuals affected with TG-Related Disorders and no experimental evidence demonstrating its impact on protein function have been reported. No submitters have cited clinical-significance assessments for this variant to ClinVar. Based on the evidence outlined above, the variant was classified as likely pathogenic.